The following is an entry in ClinVar:

ClinVar aggregate classification (germline): Uncertain significance (1 of 4 stars; one submission).

Submission:

GeneDx
Classification: Uncertain significance. Last evaluated: 2023-02-02. Review status: criteria provided, single submitter. Criteria: GeneDx Variant Classification Process June 2021. Collection method: clinical testing. Allele origin: germline. Affected: yes.
Comment: Not observed at significant frequency in large population cohorts (gnomAD); In silico analysis supports that this variant does not alter splicing; Has not been previously published as pathogenic or benign to our knowledge

NM_001374828.1(ARID1B):c.3446A>G (p.His1149Arg)

Gene: ARID1B (AT-rich interaction domain 1B; plus strand). Cytogenetic location: 6q25.3.
Variant type: single nucleotide variant.
Coding change: c.3446A>G on transcript NM_001374828.1 (MANE Select); coding-DNA position 3446, A replaced by G.
Protein change: p.His1149Arg; replaces histidine 1149 with arginine.
Molecular consequence: missense variant. On other transcripts: intron variant (3).
Genome position (GRCh38, 1-based): chr6:157,174,947, A>G. VCF-style: chr6-157174947-A-G. GRCh37 (hg19) VCF-style: chr6-157496081-A-G.
Other names: c.3197A>G, p.His1066Arg (NM_001346813.1); c.947A>G, p.His316Arg (NM_001363725.2); c.3384+830A>G (NM_001371656.1, NM_001374820.1); c.3345+830A>G (NM_017519.3); short protein forms H1066R, H1149R, H316R.
Identifiers: ClinVar variation 2574844 (VCV002574844.1), dbSNP rs1791997669, ClinGen allele CA366225687.